The following is an entry in ClinVar:

ClinVar aggregate classification (germline): Likely benign (1 of 4 stars; one submission).

Allele frequency attached by ClinVar (database versions not stated): gnomAD exomes below 0.00001; gnomAD 0.00001; TOPMed 0.00002.

Submission:

CeGaT Center for Human Genetics Tuebingen
Classification: Likely benign. Last evaluated: 2022-09-01. Review status: criteria provided, single submitter. Criteria: CeGaT Center For Human Genetics Tuebingen Variant Classification Criteria Version 2. Collection method: clinical testing. Allele origin: germline. Affected: yes. Observed: 1 variant allele.
Comment: ZNF473: BP4, BP7

NM_015428.4(ZNF473):c.1251C>G (p.Thr417=)

Gene: ZNF473 (zinc finger protein 473; plus strand). Cytogenetic location: 19q13.33.
Variant type: single nucleotide variant.
Coding change: c.1251C>G on transcript NM_015428.4 (MANE Select); coding-DNA position 1251, C replaced by G.
Protein change: p.Thr417=; no amino-acid change (threonine 417 retained).
Molecular consequence: synonymous variant.
Genome position (GRCh38, 1-based): chr19:50,045,694, C>G. VCF-style: chr19-50045694-C-G. GRCh37 (hg19) VCF-style: chr19-50548951-C-G.
Other names: c.1251C>G, p.Thr417= (NM_001006656.4); c.1215C>G, p.Thr405= (NM_001308424.3).
Identifiers: ClinVar variation 2650302 (VCV002650302.24), dbSNP rs534354581, ClinGen allele CA309587782.